The following is an entry in ClinVar:

ClinVar aggregate classification (germline): Benign/Likely benign. Review status: criteria provided, multiple submitters, no conflicts (2 of 4 stars). 7 submissions from 7 submitters: Benign (5); Likely benign (1). 1 of the submissions does not count toward it. Last evaluated 2024-11-28.

Conditions:
Spinocerebellar ataxia type 14 (SCA14). Identifiers: Orphanet 98763, MedGen C1854369, MONDO:0011540, OMIM 605361.

Allele frequency attached by ClinVar (database versions not stated): 1000 Genomes Project 30x 0.32808; 1000 Genomes Project 0.33367; ESP Exome Variant Server 0.35161; TOPMed 0.35627; gnomAD 0.36258 and 0.36432; ExAC 0.39669; gnomAD exomes 0.40412 and 0.40834.
gnomAD v4.1: 651,651 of 1,613,054 alleles (40%); highest among the groups gnomAD compares: Admixed American, 45%; 133,601 homozygotes.

Submissions (7):

Blueprint Genetics
Classification: Likely benign. Last evaluated: 2024-11-28. Review status: criteria provided, single submitter. Criteria: ACMG Guidelines, 2015. Collection method: clinical testing. Allele origin: germline.

Genome-Nilou Lab
Classification: Benign for Spinocerebellar ataxia type 14. Last evaluated: 2021-10-25. Review status: criteria provided, single submitter. Criteria: ACMG Guidelines, 2015. Collection method: clinical testing. Allele origin: germline. Affected: no.

GeneDx
Classification: Benign. Last evaluated: 2019-09-25. Review status: criteria provided, single submitter. Criteria: GeneDx Variant Classification Process June 2021. Collection method: clinical testing. Allele origin: germline. Affected: yes.

Illumina Laboratory Services, Illumina
Classification: Benign for Spinocerebellar ataxia type 14. Last evaluated: 2018-01-13. Review status: criteria provided, single submitter. Criteria: ICSL Variant Classification Criteria 13 December 2019. Collection method: clinical testing. Allele origin: germline.
Comment: This variant was observed in the ICSL laboratory as part of a predisposition screen in an ostensibly healthy population. It had not been previously curated by ICSL or reported in the Human Gene Mutation Database (HGMD: prior to June 1st, 2018), and was therefore a candidate for classification through an automated scoring system. Utilizing variant allele frequency, disease prevalence and penetrance estimates, and inheritance mode, an automated score was calculated to assess if this variant is too frequent to cause the disease. Based on the score and internal cut-off values, a variant classified as benign is not then subjected to further curation. The score for this variant resulted in a classification of benign for this disease.

Clinical Genetics DNA and cytogenetics Diagnostics Lab, Erasmus MC, Erasmus Medical Center
Classification: Benign for Spinocerebellar ataxia type 14. Last evaluated: 2015-09-21. Review status: criteria provided, single submitter. Criteria: ACGS Guidelines, 2013. Collection method: clinical testing. Allele origin: germline. Affected: yes. Study: VKGL Data-share Consensus.

Breakthrough Genomics
Classification: Benign. Review status: criteria provided, single submitter. Criteria: ACMG Guidelines, 2015. Collection method: not provided. Allele origin: germline. Inheritance: Autosomal dominant inheritance. Affected: yes.

Diagnostic Laboratory, Department of Genetics, University Medical Center Groningen
Classification: Benign for Spinocerebellar ataxia type 14. Review status: no assertion criteria provided. Collection method: clinical testing. Allele origin: germline. Affected: yes. Study: VKGL Data-share Consensus. Not counted in ClinVar's aggregate classification.

NM_002739.5(PRKCG):c.686+14G>T

Gene: PRKCG (protein kinase C gamma; plus strand). Cytogenetic location: 19q13.42.
Variant type: single nucleotide variant.
Coding change: c.686+14G>T on transcript NM_002739.5 (MANE Select); 14 bases into the intron after coding-DNA position 686, G replaced by T.
Molecular consequence: intron variant.
Genome position (GRCh38, 1-based): chr19:53,891,844, G>T. VCF-style: chr19-53891844-G-T. GRCh37 (hg19) VCF-style: chr19-54395098-G-T.
Other names: c.686+14G>T (LRG_669t1, NM_001316329.2).
Identifiers: ClinVar variation 330063 (VCV000330063.12), dbSNP rs3745405, ClinGen allele CA9640360.